The following is an entry in ClinVar:

ClinVar aggregate classification (germline): Uncertain significance (1 of 4 stars; one submission).

Allele frequency attached by ClinVar (database versions not stated): gnomAD exomes below 0.00001; ExAC 0.00001; gnomAD 0.00001; TOPMed 0.00001.
gnomAD v4.1: 3 of 1,588,012 alleles (0.00019%); highest among the groups gnomAD compares: Non-Finnish European, 0.00026%; no homozygotes.

Submission:

Labcorp Genetics (formerly Invitae), Labcorp
Classification: Uncertain significance. Last evaluated: 2023-12-27. Review status: criteria provided, single submitter. Criteria: Invitae Variant Classification Sherloc (09022015). Collection method: clinical testing. Allele origin: germline.
Comment: This sequence change replaces serine, which is neutral and polar, with alanine, which is neutral and non-polar, at codon 321 of the LZTS1 protein (p.Ser321Ala). This variant is present in population databases (rs771981909, gnomAD 0.0009%). This variant has not been reported in the literature in individuals affected with LZTS1-related conditions. Advanced modeling of protein sequence and biophysical properties (such as structural, functional, and spatial information, amino acid conservation, physicochemical variation, residue mobility, and thermodynamic stability) performed at Invitae indicates that this missense variant is not expected to disrupt LZTS1 protein function with a negative predictive value of 80%. In summary, the available evidence is currently insufficient to determine the role of this variant in disease. Therefore, it has been classified as a Variant of Uncertain Significance.

NM_021020.5(LZTS1):c.961T>G (p.Ser321Ala)

Gene: LZTS1 (leucine zipper tumor suppressor 1; minus strand). Cytogenetic location: 8p21.3.
Variant type: single nucleotide variant.
Coding change: c.961T>G on transcript NM_021020.5 (MANE Select); coding-DNA position 961, T replaced by G.
Protein change: p.Ser321Ala; replaces serine 321 with alanine.
Molecular consequence: missense variant.
Genome position (GRCh38, 1-based): chr8:20,252,970, A>C on the plus strand (T>G on the coding strand, the complement: LZTS1 is on the minus strand). VCF-style: chr8-20252970-A-C. GRCh37 (hg19) VCF-style: chr8-20110481-A-C.
Other names: c.961T>G, p.Ser321Ala (NM_001362884.2); short protein forms S321A.
Identifiers: ClinVar variation 2999281 (VCV002999281.3), dbSNP rs771981909, ClinGen allele CA4657397.